The following is an entry in ClinVar:

ClinVar aggregate classification (germline): Conflicting classifications of pathogenicity. Review status: criteria provided, conflicting classifications (1 of 4 stars). 3 submissions from 3 submitters: Likely pathogenic (1); Uncertain significance (2). Last evaluated 2024-01-15.

Conditions:
ETFDH-related disorder. Also called: ETFDH-related condition.
Multiple acyl-CoA dehydrogenase deficiency (MADD). Also called: Glutaric aciduria, type 2; Glutaric Acidemia type 2; Glutaric acidemia type II; GA 2; ETHYLMALONIC-ADIPICACIDURIA; GA II. Identifiers: Orphanet 26791, MedGen C0268596, MONDO:0009282, OMIM 231680.

Allele frequency attached by ClinVar (database versions not stated): gnomAD 0.00002; TOPMed 0.00002.
gnomAD v4.1: 28 of 1,614,082 alleles (0.0017%); highest among the groups gnomAD compares: Non-Finnish European, 0.0024%; no homozygotes.

Submissions (3):

Baylor Genetics
Classification: Likely pathogenic for Multiple acyl-CoA dehydrogenase deficiency. Last evaluated: 2024-01-15. Review status: criteria provided, single submitter. Criteria: ACMG Guidelines, 2015. Collection method: clinical testing. Allele origin: unknown.

Women's Health and Genetics/Laboratory Corporation of America, LabCorp
Classification: Uncertain significance. Last evaluated: 2023-09-27. Review status: criteria provided, single submitter. Criteria: LabCorp Variant Classification Summary - May 2015. Collection method: clinical testing. Allele origin: germline.
Comment: Variant summary: ETFDH c.245C>T (p.Ser82Phe) results in a non-conservative amino acid change in the encoded protein sequence. Five of five in-silico tools predict a damaging effect of the variant on protein function. The variant was absent in 251430 control chromosomes. c.245C>T has been reported in the literature in a homozygous state in an individual affected with adolescent onset Glutaric Aciduria and in a compound heterozygous state in another individual with childhood onset Glutaric Aciduria (e.g. Behin_2016, Goodman_2002). These data indicate that the variant may be associated with disease. To our knowledge, no e(e.g. Behin_2016, Goodman_2002). These data indicate that the variant may be associated with disease. To our knowledge, no experimental evidence demonstrating an impact on protein function has been reported. The following publications have been ascertained in the context of this evaluation (PMID: 27038534, 12359134). No submitters have cited clinical-significance assessments for this variant to ClinVar after 2014. Based on the evidence outlined above, the variant was classified as VUS-possibly pathogenic.

PreventionGenetics, part of Exact Sciences
Classification: Uncertain significance for ETFDH-related condition. Last evaluated: 2023-08-03. Review status: criteria provided, single submitter. Criteria: ACMG Guidelines, 2015. Collection method: clinical testing. Allele origin: germline.
Comment: The ETFDH c.245C>T variant is predicted to result in the amino acid substitution p.Ser82Phe. This variant has been reported in the homozygous state or along with a second variant in two individuals with multiple acyl-CoA dehydrogenase deficiency (Goodman et al 2002. PubMed ID: 12359134; Béhin A et al 2016. PubMed ID: 27038534). This variant is reported in 0.0065% of alleles in individuals of European (Non-Finnish) descent in gnomAD. Although we suspect that this variant may be pathogenic, at this time, the clinical significance of this variant is uncertain due to the absence of conclusive functional and genetic evidence.

Literature cited by the submitters: PubMed 12359134 (cited by Women's Health and Genetics/Laboratory Corporation of America, LabCorp); PubMed 27038534 (cited by Women's Health and Genetics/Laboratory Corporation of America, LabCorp).

NM_004453.4(ETFDH):c.245C>T (p.Ser82Phe)

Gene: ETFDH (electron transfer flavoprotein dehydrogenase; plus strand). Cytogenetic location: 4q32.1.
Variant type: single nucleotide variant.
Coding change: c.245C>T on transcript NM_004453.4 (MANE Select); coding-DNA position 245, C replaced by T.
Protein change: p.Ser82Phe; replaces serine 82 with phenylalanine.
Molecular consequence: missense variant.
Genome position (GRCh38, 1-based): chr4:158,682,264, C>T. VCF-style: chr4-158682264-C-T. GRCh37 (hg19) VCF-style: chr4-159603416-C-T.
Other names: c.104C>T, p.Ser35Phe (NM_001281737.2); c.62C>T, p.Ser21Phe (NM_001281738.1); short protein forms S21F, S35F, S82F.
Identifiers: ClinVar variation 2627341 (VCV002627341.4), dbSNP rs887871605, ClinGen allele CA108848785.
Genomic context (GRCh38, chr4:158,682,264, plus strand): 5'-TGGAAAGGTTTGCAGAAGAAGCAGATGTTGTAATAGTTGGTGCAGGCCCTGCAGGGCTCT[C>T]TGCAGCTGTTCGTCTAAAACAGTTGGCTGTGGCACATGAAAAGGACATCCGTGTGTGTCT-3'
Protein context (NP_004444.2, residues 72-92): VIVGAGPAGL[Ser82Phe]AAVRLKQLAV